The following is an entry in ClinVar:

ClinVar aggregate classification (germline): Uncertain significance (1 of 4 stars; one submission).

Submission:

Labcorp Genetics (formerly Invitae), Labcorp
Classification: Uncertain significance. Last evaluated: 2021-12-23. Review status: criteria provided, single submitter. Criteria: Invitae Variant Classification Sherloc (09022015). Collection method: clinical testing. Allele origin: germline.
Comment: This variant, c.726_734dup, results in the insertion of 3 amino acid(s) of the PNPLA1 protein (p.Tyr243_Tyr245dup), but otherwise preserves the integrity of the reading frame. This variant is present in population databases (rs773899785, gnomAD 0.007%). This variant has not been reported in the literature in individuals affected with PNPLA1-related conditions. Experimental studies and prediction algorithms are not available or were not evaluated, and the functional significance of this variant is currently unknown. In summary, the available evidence is currently insufficient to determine the role of this variant in disease. Therefore, it has been classified as a Variant of Uncertain Significance.

NM_001374623.1(PNPLA1):c.726_734dup (p.Tyr245_Arg246insTyrTyrTyr)

Gene: PNPLA1 (patatin like domain 1, omega-hydroxyceramide transacylase; plus strand). Cytogenetic location: 6p21.31.
Variant type: Duplication.
Coding change: c.726_734dup on transcript NM_001374623.1 (MANE Select); coding-DNA positions 726 to 734, 9 bases duplicated (TTACTACTA; older notation c.726_734dupTTACTACTA).
Protein change: p.Tyr245_Arg246insTyrTyrTyr.
Molecular consequence: inframe insertion.
Genome position (GRCh38, 1-based): chr6:36,295,375-36,295,383, TTACTACTA duplicated; duplicating any 9 consecutive bases within chr6:36,295,374-36,295,383 gives the same sequence; the c. name uses the placement nearest the transcript's 3' end. VCF-style (leftmost placement, unchanged base first): chr6-36295373-G-GATTACTACT. GRCh37 (hg19) VCF-style: chr6-36263150-G-GATTACTACT.
Other names: c.468_476dup, p.Tyr159_Arg160insTyrTyrTyr (NM_001145716.2); c.726_734dup, p.Tyr245_Arg246insTyrTyrTyr (NM_001145717.1); c.441_449dup, p.Tyr150_Arg151insTyrTyrTyr (NM_173676.2).
Identifiers: ClinVar variation 1935414 (VCV001935414.5), dbSNP rs773899785, ClinGen allele CA3777833.